The following is an entry in ClinVar:

NC_000013.11:g.32380130G>T

Gene: BRCA2 (BRCA2 DNA repair associated; plus strand). Cytogenetic location: 13q13.1.
Variant type: single nucleotide variant.
Genome position: GRCh38 VCF-style: chr13-32380130-G-T. GRCh37 (hg19) VCF-style: chr13-32954267-G-T.
Other names: V3081F; 9469G>T; c.9241G>T, p.Val3081Phe (LRG_293t1).
Identifiers: ClinVar variation 252858 (VCV000252858.3), dbSNP rs879255472, ClinGen allele CA10586088.

ClinVar aggregate classification (germline): Uncertain significance. Review status: criteria provided, single submitter (1 of 4 stars). 2 submissions from 2 submitters: Uncertain significance (1). 1 of the submissions does not count toward it. Last evaluated 2025-02-17.

Conditions:
Hereditary breast ovarian cancer syndrome. Also called: Hereditary breast and ovarian cancer; Breast and ovarian cancer; Hereditary breast and/or ovarian cancer syndrome; BRCA1- and BRCA2-Associated Hereditary Breast and Ovarian Cancer; Hereditary breast and ovarian cancer syndrome; Hereditary breast and ovarian cancer syndrome (HBOC). Identifiers: Orphanet 145, MedGen C0677776, MeSH D061325, MONDO:0003582. Disease mechanism: loss of function.
Breast-ovarian cancer, familial, susceptibility to, 2 (BROVCA2). Also called: BRCA2 Hereditary Breast and Ovarian Cancer. Identifiers: Orphanet 145, MedGen C2675520, MONDO:0012933, OMIM 612555. Disease mechanism: loss of function.

Submissions (2):

Labcorp Genetics (formerly Invitae), Labcorp
Classification: Uncertain significance for Hereditary breast ovarian cancer syndrome. Last evaluated: 2025-02-17. Review status: criteria provided, single submitter. Criteria: Invitae Variant Classification Sherloc (09022015). Collection method: clinical testing. Allele origin: germline.
Comment: This sequence change replaces valine, which is neutral and non-polar, with phenylalanine, which is neutral and non-polar, at codon 3081 of the BRCA2 protein (p.Val3081Phe). This variant is not present in population databases (gnomAD no frequency). This variant has not been reported in the literature in individuals affected with BRCA2-related conditions. ClinVar contains an entry for this variant (Variation ID: 252858). Invitae Evidence Modeling of protein sequence and biophysical properties (such as structural, functional, and spatial information, amino acid conservation, physicochemical variation, residue mobility, and thermodynamic stability) indicates that this missense variant is not expected to disrupt BRCA2 protein function with a negative predictive value of 95%. In summary, the available evidence is currently insufficient to determine the role of this variant in disease. Therefore, it has been classified as a Variant of Uncertain Significance.

Sharing Clinical Reports Project (SCRP)
Classification: Uncertain significance for Breast-ovarian cancer, familial 2. Last evaluated: 2012-10-24. Review status: no assertion criteria provided. Collection method: clinical testing. Allele origin: germline. Not counted in ClinVar's aggregate classification.